The following is an entry in ClinVar:

NM_030665.4(RAI1):c.737C>T (p.Pro246Leu)

Gene: RAI1 (retinoic acid induced 1; plus strand). Cytogenetic location: 17p11.2.
Variant type: single nucleotide variant.
Coding change: c.737C>T on transcript NM_030665.4 (MANE Select); coding-DNA position 737, C replaced by T.
Protein change: p.Pro246Leu; replaces proline 246 with leucine.
Molecular consequence: missense variant.
Genome position (GRCh38, 1-based): chr17:17,793,685, C>T. VCF-style: chr17-17793685-C-T. GRCh37 (hg19) VCF-style: chr17-17696999-C-T.
Other names: c.737C>T (NM_030665.3); short protein forms P246L.
Identifiers: ClinVar variation 2966021 (VCV002966021.4), dbSNP rs2508570831, ClinGen allele CA398546106.

ClinVar aggregate classification (germline): Conflicting classifications of pathogenicity. Review status: criteria provided, conflicting classifications (1 of 4 stars). 2 submissions from 2 submitters: Uncertain significance (1); Benign (1). Last evaluated 2025-10-30.

Conditions:
RAI1-related disorder. Also called: RAI1-related condition.

Submissions (2):

PreventionGenetics, part of Exact Sciences
Classification: Uncertain significance for RAI1-related condition. Last evaluated: 2025-10-30. Review status: criteria provided, single submitter. Criteria: ACMG Guidelines, 2015. Collection method: clinical testing. Allele origin: germline.
Comment: The RAI1 c.737C>T variant is predicted to result in the amino acid substitution p.Pro246Leu. To our knowledge, this variant has not been reported in the literature or in a large population database (gnomAD), indicating this variant is rare. At this time, the clinical significance of this variant is uncertain due to the absence of conclusive functional and genetic evidence.

Labcorp Genetics (formerly Invitae), Labcorp
Classification: Benign. Last evaluated: 2023-08-17. Review status: criteria provided, single submitter. Criteria: Invitae Variant Classification Sherloc (09022015). Collection method: clinical testing. Allele origin: germline.